The following is an entry in ClinVar:

NM_021831.6(AGBL5):c.2089+1G>C

Gene: AGBL5 (AGBL carboxypeptidase 5; plus strand). Cytogenetic location: 2p23.3.
Variant type: single nucleotide variant.
Coding change: c.2089+1G>C on transcript NM_021831.6 (MANE Select); the canonical splice donor site of the intron after coding-DNA position 2089, G replaced by C.
Molecular consequence: splice donor variant. On other transcripts: missense variant (1).
Genome position (GRCh38, 1-based): chr2:27,059,405, G>C. VCF-style: chr2-27059405-G-C. GRCh37 (hg19) VCF-style: chr2-27282273-G-C.
Other names: c.2090G>C, p.Gly697Ala (NM_001035507.3); short protein forms G697A.
Identifiers: ClinVar variation 1461022 (VCV001461022.6), dbSNP rs2148286411, ClinGen allele CA346188981.

ClinVar aggregate classification (germline): Uncertain significance (1 of 4 stars; one submission).

Submission:

Labcorp Genetics (formerly Invitae), Labcorp
Classification: Uncertain significance. Last evaluated: 2021-07-31. Review status: criteria provided, single submitter. Criteria: Invitae Variant Classification Sherloc (09022015). Collection method: clinical testing. Allele origin: germline.
Comment: This variant has not been reported in the literature in individuals affected with AGBL5-related conditions. Algorithms developed to predict the effect of sequence changes on RNA splicing suggest that this variant may disrupt the consensus splice site. In summary, the available evidence is currently insufficient to determine the role of this variant in disease. Therefore, it has been classified as a Variant of Uncertain Significance. This sequence change affects a donor splice site in intron 11 of the AGBL5 gene. However, it is currently unclear if variants that occur in this region of the gene cause disease. This variant is not present in population databases (ExAC no frequency).